The following is an entry in ClinVar:

ClinVar aggregate classification (germline): Uncertain significance (1 of 4 stars; one submission).

Conditions:
Amyotrophic lateral sclerosis type 12 (ALS12). Also called: AMYOTROPHIC LATERAL SCLEROSIS 12 WITH OR WITHOUT FRONTOTEMPORAL DEMENTIA. Identifiers: Orphanet 803, MedGen C3150692, MONDO:0013264, OMIM 613435.
Primary open angle glaucoma (POAG). Also called: OPTN-related open angle glaucoma. Identifiers: MedGen C0339573, MONDO:0100553, OMIM 137760.
Glaucoma 1, open angle, E. Identifiers: MedGen C1842026, MONDO:0007665.

gnomAD v4.1: 2 of 1,614,204 alleles (0.00012%); highest among the groups gnomAD compares: Non-Finnish European, 0.00017%; no homozygotes.

Submission:

Labcorp Genetics (formerly Invitae), Labcorp
Classification: Uncertain significance for Primary open angle glaucoma; Glaucoma 1, open angle, E; Amyotrophic lateral sclerosis type 12. Last evaluated: 2023-03-24. Review status: criteria provided, single submitter. Criteria: Invitae Variant Classification Sherloc (09022015). Collection method: clinical testing. Allele origin: germline.
Comment: This sequence change replaces lysine, which is basic and polar, with arginine, which is basic and polar, at codon 557 of the OPTN protein (p.Lys557Arg). This variant is present in population databases (no rsID available, gnomAD 0.0009%). This variant has not been reported in the literature in individuals affected with OPTN-related conditions. Advanced modeling of protein sequence and biophysical properties (such as structural, functional, and spatial information, amino acid conservation, physicochemical variation, residue mobility, and thermodynamic stability) performed at Invitae indicates that this missense variant is expected to disrupt OPTN protein function. In summary, the available evidence is currently insufficient to determine the role of this variant in disease. Therefore, it has been classified as a Variant of Uncertain Significance.

NM_001008212.2(OPTN):c.1670A>G (p.Lys557Arg)

Gene: OPTN (optineurin; plus strand). Cytogenetic location: 10p13.
Variant type: single nucleotide variant.
Coding change: c.1670A>G on transcript NM_001008212.2 (MANE Select); coding-DNA position 1670, A replaced by G.
Protein change: p.Lys557Arg; replaces lysine 557 with arginine.
Molecular consequence: missense variant.
Genome position (GRCh38, 1-based): chr10:13,136,802, A>G. VCF-style: chr10-13136802-A-G. GRCh37 (hg19) VCF-style: chr10-13178802-A-G.
Other names: c.1670A>G, p.Lys557Arg (NM_001008211.1, NM_001008213.1, NM_021980.4); short protein forms K557R.
Identifiers: ClinVar variation 2931134 (VCV002931134.3), dbSNP rs1357375850, ClinGen allele CA376030762.